The following is an entry in ClinVar:

ClinVar aggregate classification (germline): Uncertain significance (1 of 4 stars; one submission).

gnomAD v4.1: 1 of 1,614,206 alleles (0.000062%); highest among the groups gnomAD compares: Non-Finnish European, 0.000085%; no homozygotes.

Submission:

Labcorp Genetics (formerly Invitae), Labcorp
Classification: Uncertain significance. Last evaluated: 2024-07-10. Review status: criteria provided, single submitter. Criteria: Invitae Variant Classification Sherloc (09022015). Collection method: clinical testing. Allele origin: germline.
Comment: This sequence change replaces valine, which is neutral and non-polar, with isoleucine, which is neutral and non-polar, at codon 432 of the MYH3 protein (p.Val432Ile). This variant is not present in population databases (gnomAD no frequency). This variant has not been reported in the literature in individuals affected with MYH3-related conditions. Advanced modeling of protein sequence and biophysical properties (such as structural, functional, and spatial information, amino acid conservation, physicochemical variation, residue mobility, and thermodynamic stability) performed at Invitae indicates that this missense variant is not expected to disrupt MYH3 protein function with a negative predictive value of 95%. In summary, the available evidence is currently insufficient to determine the role of this variant in disease. Therefore, it has been classified as a Variant of Uncertain Significance.

NM_002470.4(MYH3):c.1294G>A (p.Val432Ile)

Gene: MYH3 (myosin heavy chain 3; minus strand). Cytogenetic location: 17p13.1.
Variant type: single nucleotide variant.
Coding change: c.1294G>A on transcript NM_002470.4 (MANE Select); coding-DNA position 1294, G replaced by A.
Protein change: p.Val432Ile; replaces valine 432 with isoleucine.
Molecular consequence: missense variant.
Genome position (GRCh38, 1-based): chr17:10,644,467, C>T on the plus strand (G>A on the coding strand, the complement: MYH3 is on the minus strand). VCF-style: chr17-10644467-C-T. GRCh37 (hg19) VCF-style: chr17-10547784-C-T.
Other names: short protein forms V432I.
Identifiers: ClinVar variation 3634457 (VCV003634457.2).